The following is an entry in ClinVar:

ClinVar aggregate classification (germline): Uncertain significance (1 of 4 stars; one submission).

Allele frequency attached by ClinVar (database versions not stated): TOPMed 0.00002; gnomAD 0.00001.
gnomAD v4.1: 3 of 1,521,624 alleles (0.0002%); highest among the groups gnomAD compares: African/African-American, 0.0042%; no homozygotes.

Submission:

Labcorp Genetics (formerly Invitae), Labcorp
Classification: Uncertain significance. Last evaluated: 2025-06-19. Review status: criteria provided, single submitter. Criteria: Invitae Variant Classification Sherloc (09022015). Collection method: clinical testing. Allele origin: germline.
Comment: This sequence change replaces valine, which is neutral and non-polar, with leucine, which is neutral and non-polar, at codon 369 of the TRIM8 protein (p.Val369Leu). This variant is present in population databases (no rsID available, gnomAD 0.009%). This variant has not been reported in the literature in individuals affected with TRIM8-related conditions. ClinVar contains an entry for this variant (Variation ID: 2747351). An algorithm developed to predict the effect of missense changes on protein structure and function (PolyPhen-2) suggests that this variant is likely to be tolerated. In summary, the available evidence is currently insufficient to determine the role of this variant in disease. Therefore, it has been classified as a Variant of Uncertain Significance.

NM_030912.3(TRIM8):c.1105G>T (p.Val369Leu)

Gene: TRIM8 (tripartite motif containing 8; plus strand). Cytogenetic location: 10q24.32.
Variant type: single nucleotide variant.
Coding change: c.1105G>T on transcript NM_030912.3 (MANE Select); coding-DNA position 1105, G replaced by T.
Protein change: p.Val369Leu; replaces valine 369 with leucine.
Molecular consequence: missense variant. On other transcripts: non-coding transcript variant (1).
Genome position (GRCh38, 1-based): chr10:102,656,803, G>T. VCF-style: chr10-102656803-G-T. GRCh37 (hg19) VCF-style: chr10-104416560-G-T.
Other names: c.1009G>T, p.Val337Leu (NM_001345950.1); short protein forms V337L, V369L.
Identifiers: ClinVar variation 2747351 (VCV002747351.3), dbSNP rs906018239, ClinGen allele CA212267203.